The following is an entry in ClinVar:

NM_001034853.2(RPGR):c.3071A>G (p.Glu1024Gly)

Gene: RPGR (retinitis pigmentosa GTPase regulator; minus strand). Cytogenetic location: Xp11.4.
Variant type: single nucleotide variant.
Coding change: c.3071A>G on transcript NM_001034853.2 (MANE Select); coding-DNA position 3071, A replaced by G.
Protein change: p.Glu1024Gly; replaces glutamic acid 1024 with glycine.
Molecular consequence: missense variant. On other transcripts: intron variant (8).
Genome position (GRCh38, 1-based): chrX:38,285,928, T>C on the plus strand (A>G on the coding strand, the complement: RPGR is on the minus strand). VCF-style: chrX-38285928-T-C. GRCh37 (hg19) VCF-style: chrX-38145181-T-C.
Other names: c.1569+5031A>G (NM_001367249.1, NM_001367250.1); c.1902+1166A>G (NM_001367245.1); c.1386+5031A>G (NM_001367251.1); c.1719+1166A>G (NM_001367246.1); c.1572+5031A>G (NM_001367247.1); c.1905+1166A>G (NM_000328.3); c.1602+5031A>G (NM_001367248.1); short protein forms E1024G.
Identifiers: ClinVar variation 2047803 (VCV002047803.4), dbSNP rs754860829, ClinGen allele CA10385213.

ClinVar aggregate classification (germline): Uncertain significance (1 of 4 stars; one submission).

Conditions:
Primary ciliary dyskinesia. Also called: Ciliary dyskinesia. Identifiers: Orphanet 244, MedGen C0008780, MONDO:0016575, HP:0012265.

Allele frequency attached by ClinVar (database versions not stated): ExAC 0.00004.

Submission:

Labcorp Genetics (formerly Invitae), Labcorp
Classification: Uncertain significance for Primary ciliary dyskinesia. Last evaluated: 2024-07-15. Review status: criteria provided, single submitter. Criteria: Invitae Variant Classification Sherloc (09022015). Collection method: clinical testing. Allele origin: germline.
Comment: This sequence change replaces glutamic acid, which is acidic and polar, with glycine, which is neutral and non-polar, at codon 1024 of the RPGR (ORF15) protein (p.Glu1024Gly). The frequency data for this variant in the population databases is considered unreliable, as metrics indicate poor data quality at this position in the gnomAD database. This variant has not been reported in the literature in individuals affected with RPGR (ORF15)-related conditions. ClinVar contains an entry for this variant (Variation ID: 2047803). Advanced modeling of protein sequence and biophysical properties (such as structural, functional, and spatial information, amino acid conservation, physicochemical variation, residue mobility, and thermodynamic stability) performed at Invitae indicates that this missense variant is not expected to disrupt RPGR (ORF15) protein function with a negative predictive value of 95%. In summary, the available evidence is currently insufficient to determine the role of this variant in disease. Therefore, it has been classified as a Variant of Uncertain Significance.